The following is an entry in ClinVar:

NM_000701.8(ATP1A1):c.975C>T (p.Ile325=)

Gene: ATP1A1 (ATPase Na+/K+ transporting subunit alpha 1; plus strand). Cytogenetic location: 1p13.1.
Variant type: single nucleotide variant.
Coding change: c.975C>T on transcript NM_000701.8 (MANE Select); coding-DNA position 975, C replaced by T.
Protein change: p.Ile325=; no amino-acid change (isoleucine 325 retained).
Molecular consequence: synonymous variant.
Genome position (GRCh38, 1-based): chr1:116,389,659, C>T. VCF-style: chr1-116389659-C-T. GRCh37 (hg19) VCF-style: chr1-116932281-C-T.
Other names: c.975C>T, p.Ile325= (NM_001160233.2); c.882C>T, p.Ile294= (NM_001160234.2).
Identifiers: ClinVar variation 2181270 (VCV002181270.28), dbSNP rs755463200, ClinGen allele CA1025206.

ClinVar aggregate classification (germline): Likely benign. Review status: criteria provided, multiple submitters, no conflicts (2 of 4 stars). 2 submissions from 2 submitters: Likely benign (2). Last evaluated 2025-09-25.

Allele frequency attached by ClinVar (database versions not stated): ExAC 0.00002; gnomAD exomes 0.00002; TOPMed 0.00002; gnomAD 0.00003.
gnomAD v4.1: 40 of 1,614,056 alleles (0.0025%); highest among the groups gnomAD compares: Admixed American, 0.0067%; no homozygotes.

Submissions (2):

Labcorp Genetics (formerly Invitae), Labcorp
Classification: Likely benign. Last evaluated: 2025-09-25. Review status: criteria provided, single submitter. Criteria: Invitae Variant Classification Sherloc (09022015). Collection method: clinical testing. Allele origin: germline.

CeGaT Center for Human Genetics Tuebingen
Classification: Likely benign. Last evaluated: 2023-02-01. Review status: criteria provided, single submitter. Criteria: CeGaT Center For Human Genetics Tuebingen Variant Classification Criteria Version 2. Collection method: clinical testing. Allele origin: germline. Affected: yes. Observed: 1 variant allele.
Comment: ATP1A1: BP4, BP7